The following is an entry in ClinVar:

ClinVar aggregate classification (germline): Conflicting classifications of pathogenicity. Review status: criteria provided, conflicting classifications (1 of 4 stars). 2 submissions from 2 submitters: Uncertain significance (1); Benign (1). Last evaluated 2025-11-25.

Allele frequency attached by ClinVar (database versions not stated): TOPMed 0.00001; gnomAD 0.00010; gnomAD exomes 0.00016; ExAC 0.00039; 1000 Genomes Project 30x 0.00078; 1000 Genomes Project 0.00080.
gnomAD v4.1: 253 of 1,613,878 alleles (0.016%); highest among the groups gnomAD compares: South Asian, 0.26%; 4 homozygotes.

Submissions (2):

Ambry Genetics
Classification: Uncertain significance. Last evaluated: 2025-11-25. Review status: criteria provided, single submitter. Criteria: Ambry Variant Classification Scheme 2023. Collection method: clinical testing. Allele origin: germline.

CeGaT Center for Human Genetics Tuebingen
Classification: Benign. Last evaluated: 2024-01-01. Review status: criteria provided, single submitter. Criteria: CeGaT Center For Human Genetics Tuebingen Variant Classification Criteria Version 2. Collection method: clinical testing. Allele origin: germline. Affected: yes. Observed: 1 variant allele.
Comment: KNDC1: BP4, BS1, BS2

NM_152643.8(KNDC1):c.4293G>C (p.Glu1431Asp)

Gene: KNDC1 (kinase non-catalytic C-lobe domain containing 1; plus strand). Cytogenetic location: 10q26.3.
Variant type: single nucleotide variant.
Coding change: c.4293G>C on transcript NM_152643.8 (MANE Select); coding-DNA position 4293, G replaced by C.
Protein change: p.Glu1431Asp; replaces glutamic acid 1431 with aspartic acid.
Molecular consequence: missense variant.
Genome position (GRCh38, 1-based): chr10:133,212,772, G>C. VCF-style: chr10-133212772-G-C. GRCh37 (hg19) VCF-style: chr10-135026276-G-C.
Other names: c.4293G>C (NM_152643.6); c.4098G>C, p.Glu1366Asp (NM_033404.1); short protein forms E1366D, E1431D.
Identifiers: ClinVar variation 3025789 (VCV003025789.22), dbSNP rs543767268, ClinGen allele CA5761397.